The following is an entry in ClinVar:

ClinVar aggregate classification (germline): Benign/Likely benign. Review status: criteria provided, multiple submitters, no conflicts (2 of 4 stars). 4 submissions from 4 submitters: Benign (1); Likely benign (3). Last evaluated 2023-08-23.

Conditions:
Hypertrophic cardiomyopathy 3. Also called: TPM1-Related Familial Hypertrophic Cardiomyopathy. Identifiers: MedGen C1861863, MONDO:0007267, OMIM 115196.
Dilated cardiomyopathy 1Y (CMD1Y). Identifiers: Orphanet 154, Orphanet 54260, MedGen C2678476, MONDO:0012744, OMIM 611878.
Cardiomyopathy (CMYO). Also called: Cardiomyopathies. Identifiers: Orphanet 167848, MedGen C0878544, MONDO:0004994, HP:0001638. Inheritance: Various modes of inheritance.

Allele frequency attached by ClinVar (database versions not stated): TOPMed 0.00004; gnomAD 0.00005 and 0.00006; ExAC 0.00008.
gnomAD v4.1: 72 of 1,543,098 alleles (0.0047%); highest among the groups gnomAD compares: South Asian, 0.006%; no homozygotes.

Submissions (4):

Blueprint Genetics
Classification: Likely benign. Last evaluated: 2023-08-23. Review status: criteria provided, single submitter. Criteria: ACMG Guidelines, 2015. Collection method: clinical testing. Allele origin: germline.

Fulgent Genetics
Classification: Likely benign for Hypertrophic cardiomyopathy 3; Dilated cardiomyopathy 1Y. Last evaluated: 2021-07-27. Review status: criteria provided, single submitter. Criteria: ACMG Guidelines, 2015. Collection method: clinical testing. Allele origin: unknown.

Color Diagnostics, LLC DBA Color Health
Classification: Likely benign for Cardiomyopathy. Last evaluated: 2019-03-11. Review status: criteria provided, single submitter. Criteria: ACMG Guidelines, 2015. Collection method: clinical testing. Allele origin: germline.

GeneDx
Classification: Benign. Last evaluated: 2013-07-02. Review status: criteria provided, single submitter. Criteria: GeneDx Variant Classification (06012015). Collection method: clinical testing. Allele origin: germline. Affected: yes.
Comment: This variant is considered likely benign or benign based on one or more of the following criteria: it is a conservative change, it occurs at a poorly conserved position in the protein, it is predicted to be benign by multiple in silico algorithms, and/or has population frequency not consistent with disease.

NM_001018005.2(TPM1):c.115-335G>T

Gene: TPM1 (tropomyosin 1; plus strand). Cytogenetic location: 15q22.2.
Variant type: single nucleotide variant.
Coding change: c.115-335G>T on transcript NM_001018005.2 (MANE Select); 335 bases into the intron before coding-DNA position 115, G replaced by T.
Molecular consequence: intron variant.
Genome position (GRCh38, 1-based): chr15:63,043,692, G>T. VCF-style: chr15-63043692-G-T. GRCh37 (hg19) VCF-style: chr15-63335891-G-T.
Other names: c.115-14G>T (NM_001365778.1, NM_001407336.1, NM_001018020.2 and 11 more transcripts); c.115-335G>T (NM_001407326.1, NM_001407337.1, NM_001018006.2 and 10 more transcripts).
Identifiers: ClinVar variation 137695 (VCV000137695.7), dbSNP rs587780971, ClinGen allele CA018641.